The following is an entry in ClinVar:

ClinVar aggregate classification (germline): Uncertain significance (1 of 4 stars; one submission).

Submission:

GeneDx
Classification: Uncertain significance. Last evaluated: 2023-01-03. Review status: criteria provided, single submitter. Criteria: GeneDx Variant Classification Process June 2021. Collection method: clinical testing. Allele origin: germline. Affected: yes.
Comment: Not observed at significant frequency in large population cohorts (gnomAD); In silico analysis supports that this missense variant has a deleterious effect on protein structure/function; Has not been previously published as pathogenic or benign to our knowledge

NM_002069.6(GNAI1):c.725G>A (p.Arg242Gln)

Gene: GNAI1 (G protein subunit alpha i1; plus strand). Cytogenetic location: 7q21.11.
Variant type: single nucleotide variant.
Coding change: c.725G>A on transcript NM_002069.6 (MANE Select); coding-DNA position 725, G replaced by A.
Protein change: p.Arg242Gln; replaces arginine 242 with glutamine.
Molecular consequence: missense variant.
Genome position (GRCh38, 1-based): chr7:80,212,720, G>A. VCF-style: chr7-80212720-G-A. GRCh37 (hg19) VCF-style: chr7-79842036-G-A.
Other names: c.569G>A, p.Arg190Gln (NM_001256414.2); short protein forms R190Q, R242Q.
Identifiers: ClinVar variation 2571956 (VCV002571956.1), dbSNP rs2484460254, ClinGen allele CA368012864.